The following is an entry in ClinVar:

NM_000611.6(CD59):c.171G>A (p.Gly57=)

Gene: CD59 (CD59 molecule (CD59 blood group); minus strand). Cytogenetic location: 11p13.
Variant type: single nucleotide variant.
Coding change: c.171G>A on transcript NM_000611.6 (MANE Select); coding-DNA position 171, G replaced by A.
Protein change: p.Gly57=; no amino-acid change (glycine 57 retained).
Molecular consequence: synonymous variant.
Genome position (GRCh38, 1-based): chr11:33,710,342, C>T on the plus strand (G>A on the coding strand, the complement: CD59 is on the minus strand). VCF-style: chr11-33710342-C-T. GRCh37 (hg19) VCF-style: chr11-33731888-C-T.
Other names: c.171G>A, p.Gly57= (NM_001127223.1, NM_001127225.2, NM_001127226.2 and 4 more transcripts).
Identifiers: ClinVar variation 1661234 (VCV001661234.11), dbSNP rs2231459, ClinGen allele CA5940739.
Genomic context (GRCh38, chr11:33,710,342, plus strand): 5'-GGTTGTGACGTCGTTGAAATTGCAATGCTCAAACTTCCAACACTTGTTATACACTTGTAA[C>T]CCTGTGGGGAGACACACACAAGGGTAAGAAAGTAAGTGGGAAGAGTTCTGTATCTGCTTT-3'
Protein context (NP_000602.1, residues 47-67): DFDACLITKA[Gly57=]LQVYNKCWKF

ClinVar aggregate classification (germline): Likely benign. Review status: criteria provided, multiple submitters, no conflicts (2 of 4 stars). 3 submissions from 3 submitters: Likely benign (3). Last evaluated 2026-06-01.

Allele frequency attached by ClinVar (database versions not stated): gnomAD exomes 0.00004 and 0.00006; ExAC 0.00006; 1000 Genomes Project 30x 0.00016; 1000 Genomes Project 0.00020; gnomAD 0.00021; ESP Exome Variant Server 0.00023.
gnomAD v4.1: 90 of 1,612,594 alleles (0.0056%); highest among the groups gnomAD compares: Middle Eastern, 0.12%; no homozygotes.

Submissions (3):

CeGaT Center for Human Genetics Tuebingen
Classification: Likely benign. Last evaluated: 2026-06-01. Review status: criteria provided, single submitter. Criteria: CeGaT Center For Human Genetics Tuebingen Variant Classification Criteria Version 2. Collection method: clinical testing. Allele origin: germline. Affected: yes. Observed: 1 variant allele.
Comment: CD59: BP4, BP7

Labcorp Genetics (formerly Invitae), Labcorp
Classification: Likely benign. Last evaluated: 2026-01-28. Review status: criteria provided, single submitter. Criteria: Invitae Variant Classification Sherloc (09022015). Collection method: clinical testing. Allele origin: germline.

Blueprint Genetics
Classification: Likely benign. Last evaluated: 2024-11-06. Review status: criteria provided, single submitter. Criteria: ACMG Guidelines, 2015. Collection method: clinical testing. Allele origin: germline.